The following is an entry in ClinVar:

ClinVar aggregate classification (germline): Uncertain significance (1 of 4 stars; one submission).

Conditions:
Hypokalemic periodic paralysis, type 1. Also called: Hypokalemic Periodic Paralysis Type 1 (AD); HypoPP. Identifiers: Orphanet 681, MedGen C3714580, MONDO:0042979, OMIM 170400.
Malignant hyperthermia, susceptibility to, 5 (MHS5). Also called: CACNA1S-Related Malignant Hyperthermia Susceptibility. Identifiers: Orphanet 423, MedGen C1866077, MONDO:0011163, OMIM 601887.

Submission:

Labcorp Genetics (formerly Invitae), Labcorp
Classification: Uncertain significance for Hypokalemic periodic paralysis, type 1; Malignant hyperthermia, susceptibility to, 5. Last evaluated: 2020-05-12. Review status: criteria provided, single submitter. Criteria: Invitae Variant Classification Sherloc (09022015). Collection method: clinical testing. Allele origin: germline.
Comment: This sequence change replaces aspartic acid with glycine at codon 1385 of the CACNA1S protein (p.Asp1385Gly). The aspartic acid residue is highly conserved and there is a moderate physicochemical difference between aspartic acid and glycine. This variant is not present in population databases (ExAC no frequency). This variant has not been reported in the literature in individuals with CACNA1S-related conditions. Algorithms developed to predict the effect of missense changes on protein structure and function (SIFT, PolyPhen-2, Align-GVGD) all suggest that this variant is likely to be disruptive, but these predictions have not been confirmed by published functional studies and their clinical significance is uncertain. In summary, the available evidence is currently insufficient to determine the role of this variant in disease. Therefore, it has been classified as a Variant of Uncertain Significance.

NM_000069.3(CACNA1S):c.4154A>G (p.Asp1385Gly)

Gene: CACNA1S (calcium voltage-gated channel subunit alpha1 S; minus strand). Cytogenetic location: 1q32.1.
Variant type: single nucleotide variant.
Coding change: c.4154A>G on transcript NM_000069.3 (MANE Select); coding-DNA position 4154, A replaced by G.
Protein change: p.Asp1385Gly; replaces aspartic acid 1385 with glycine.
Molecular consequence: missense variant.
Genome position (GRCh38, 1-based): chr1:201,050,476, T>C on the plus strand (A>G on the coding strand, the complement: CACNA1S is on the minus strand). VCF-style: chr1-201050476-T-C. GRCh37 (hg19) VCF-style: chr1-201019604-T-C.
Other names: short protein forms D1385G.
Identifiers: ClinVar variation 998996 (VCV000998996.9), dbSNP rs1660612036, ClinGen allele CA344148651.
Genomic context (GRCh38, chr1:201,050,476, plus strand): 5'-ATGGCCTTGAACTCATCCAGGTGATGAGGGCCCAGGATGGACCAGTCCCGGGTGAGGTAG[T>C]CAAAATTGTCCATGATGACAGCCACAAAGAGGTTGATGACCTGCAAGAGAAGAACCAAGG-3'
Protein context (NP_000060.2, residues 1375-1395): LFVAVIMDNF[Asp1385Gly]YLTRDWSILG